The following is an entry in ClinVar:

NM_004523.4(KIF11):c.2230C>T (p.Gln744Ter)

Gene: KIF11 (kinesin family member 11; plus strand). Cytogenetic location: 10q23.33.
Variant type: single nucleotide variant.
Coding change: c.2230C>T on transcript NM_004523.4 (MANE Select); coding-DNA position 2230, C replaced by T.
Protein change: p.Gln744Ter; replaces glutamine 744 with a stop codon.
Molecular consequence: nonsense.
Genome position (GRCh38, 1-based): chr10:92,639,863, C>T. VCF-style: chr10-92639863-C-T. GRCh37 (hg19) VCF-style: chr10-94399620-C-T.
Other names: short protein forms Q744*.
Identifiers: ClinVar variation 453264 (VCV000453264.6), dbSNP rs1554862427, ClinGen allele CA377593733.

ClinVar aggregate classification (germline): Pathogenic. Review status: criteria provided, multiple submitters, no conflicts (2 of 4 stars). 3 submissions from 3 submitters: Pathogenic (2). 1 of the submissions does not count toward it. Last evaluated 2024-06-11.

Conditions:
Microcephaly with or without chorioretinopathy, lymphedema, or impaired intellectual development. Also called: MICROCEPHALY AND CHORIORETINOPATHY WITH OR WITHOUT MENTAL RETARDATION, AUTOSOMAL DOMINANT; Microcephaly with or without chorioretinopathy, lymphedema, or mental retardation; Microcephaly lymphedema chorioretinal dysplasia; Microcephaly with or without chorioretinopathy, lymphedema, or intellectual disability; MICROCEPHALY, LYMPHEDEMA, CHORIORETINAL DYSPLASIA SYNDROME. Identifiers: Orphanet 2526, MedGen C1835265, MONDO:0007918, OMIM 152950.

Submissions (3):

Institute of Medical Genetics and Applied Genomics, University Hospital Tübingen
Classification: Pathogenic for Microcephaly with or without chorioretinopathy, lymphedema, or impaired intellectual development. Last evaluated: 2024-06-11. Review status: criteria provided, single submitter. Criteria: ACMG Guidelines, 2015. Collection method: clinical testing. Allele origin: germline. Inheritance: Autosomal dominant inheritance. Affected: yes.

Labcorp Genetics (formerly Invitae), Labcorp
Classification: Pathogenic. Last evaluated: 2023-12-22. Review status: criteria provided, single submitter. Criteria: Invitae Variant Classification Sherloc (09022015). Collection method: clinical testing. Allele origin: germline.
Comment: This sequence change creates a premature translational stop signal (p.Gln744*) in the KIF11 gene. It is expected to result in an absent or disrupted protein product. Loss-of-function variants in KIF11 are known to be pathogenic (PMID: 22284827, 24281367). This variant is not present in population databases (gnomAD no frequency). This premature translational stop signal has been observed in individual(s) with clinical features of KIF11-related conditions (PMID: 26472404). ClinVar contains an entry for this variant (Variation ID: 453264). Algorithms developed to predict the effect of sequence changes on RNA splicing suggest that this variant may disrupt the consensus splice site. For these reasons, this variant has been classified as Pathogenic.

OMIM
Classification: Pathogenic for MICROCEPHALY WITH OR WITHOUT CHORIORETINOPATHY, LYMPHEDEMA, OR IMPAIRED INTELLECTUAL DEVELOPMENT. Last evaluated: 2022-12-19. Review status: no assertion criteria provided. Collection method: literature only. Allele origin: unknown. Not counted in ClinVar's aggregate classification.

Literature cited by the submitters: PubMed 22284827 (cited by Labcorp Genetics (formerly Invitae), Labcorp); PubMed 24281367 (cited by Labcorp Genetics (formerly Invitae), Labcorp); PubMed 26472404 (cited by Labcorp Genetics (formerly Invitae), Labcorp and OMIM).